The following is an entry in ClinVar:

NM_000465.4(BARD1):c.2106C>G (p.Ile702Met)

Gene: BARD1 (BRCA1 associated RING domain 1; minus strand). Cytogenetic location: 2q35.
Variant type: single nucleotide variant.
Coding change: c.2106C>G on transcript NM_000465.4 (MANE Select); coding-DNA position 2106, C replaced by G.
Protein change: p.Ile702Met; replaces isoleucine 702 with methionine.
Molecular consequence: missense variant. On other transcripts: non-coding transcript variant (3).
Genome position (GRCh38, 1-based): chr2:214,728,904, G>C on the plus strand (C>G on the coding strand, the complement: BARD1 is on the minus strand). VCF-style: chr2-214728904-G-C. GRCh37 (hg19) VCF-style: chr2-215593628-G-C.
Other names: c.2049C>G, p.Ile683Met (NM_001282543.2); c.753C>G, p.Ile251Met (NM_001282545.2); c.696C>G, p.Ile232Met (NM_001282548.2); c.567C>G, p.Ile189Met (NM_001282549.2); short protein forms I702M, I251M, I232M, I683M, I189M.
Identifiers: ClinVar variation 587400 (VCV000587400.12), dbSNP rs1559372357, ClinGen allele CA350450610.

ClinVar aggregate classification (germline): Conflicting classifications of pathogenicity. Review status: criteria provided, conflicting classifications (1 of 4 stars). 5 submissions from 5 submitters: Uncertain significance (3); Likely benign (2). Last evaluated 2025-07-13.

Conditions:
Hereditary cancer-predisposing syndrome. Also called: Tumor predisposition; Neoplastic Syndromes, Hereditary; Hereditary neoplastic syndrome; Hereditary Cancer Syndrome. Identifiers: Orphanet 140162, MedGen C0027672, MeSH D009386, MONDO:0015356.
Familial cancer of breast. Also called: Hereditary breast cancer; hereditary breast carcinoma; BREAST CANCER, FAMILIAL. Identifiers: Orphanet 227535, MedGen C0346153, MONDO:0016419, OMIM 114480. Disease mechanism: loss of function.

Submissions (5):

Labcorp Genetics (formerly Invitae), Labcorp
Classification: Uncertain significance for Familial cancer of breast. Last evaluated: 2025-07-13. Review status: criteria provided, single submitter. Criteria: Invitae Variant Classification Sherloc (09022015). Collection method: clinical testing. Allele origin: germline.
Comment: This sequence change replaces isoleucine, which is neutral and non-polar, with methionine, which is neutral and non-polar, at codon 702 of the BARD1 protein (p.Ile702Met). This variant is not present in population databases (gnomAD no frequency). This variant has not been reported in the literature in individuals affected with BARD1-related conditions. ClinVar contains an entry for this variant (Variation ID: 587400). An algorithm developed to predict the effect of missense changes on protein structure and function (PolyPhen-2) suggests that this variant is likely to be disruptive. In summary, the available evidence is currently insufficient to determine the role of this variant in disease. Therefore, it has been classified as a Variant of Uncertain Significance.

KCCC/NGS Laboratory, Kuwait Cancer Control Center
Classification: Uncertain significance for Familial cancer of breast. Last evaluated: 2025-07-07. Review status: criteria provided, single submitter. Criteria: ACMG Guidelines, 2015. Collection method: clinical testing. Allele origin: germline. Inheritance: Autosomal dominant inheritance. Affected: yes. Observed: 1 heterozygote.

Ambry Genetics
Classification: Likely benign for Hereditary cancer-predisposing syndrome. Last evaluated: 2024-02-26. Review status: criteria provided, single submitter. Criteria: Ambry Variant Classification Scheme 2023. Collection method: clinical testing. Allele origin: germline.

GeneDx
Classification: Uncertain significance. Last evaluated: 2022-10-10. Review status: criteria provided, single submitter. Criteria: GeneDx Variant Classification Process June 2021. Collection method: clinical testing. Allele origin: germline. Affected: yes.
Comment: Not observed at significant frequency in large population cohorts (gnomAD); In silico analysis supports that this missense variant does not alter protein structure/function; Observed in an individual with breast cancer (Dorling et al., 2021); This variant is associated with the following publications: (PMID: 17550235, 33471991)

Genomic Research Center, Shahid Beheshti University of Medical Sciences
Classification: Likely benign for Familial cancer of breast. Last evaluated: 2018-08-07. Review status: criteria provided, single submitter. Criteria: ACMG Guidelines, 2015. Collection method: clinical testing. Allele origin: inherited. Affected: no. Observed: 1 variant allele.